The following is an entry in ClinVar:

ClinVar aggregate classification (germline): Pathogenic (1 of 4 stars; one submission).

Conditions:
Legius syndrome. Identifiers: Orphanet 137605, MedGen C1969623, MONDO:0012669, OMIM 611431. Disease mechanism: loss of function.

Submission:

Labcorp Genetics (formerly Invitae), Labcorp
Classification: Pathogenic for Legius syndrome. Last evaluated: 2023-02-27. Review status: criteria provided, single submitter. Criteria: Invitae Variant Classification Sherloc (09022015). Collection method: clinical testing. Allele origin: germline.
Comment: This sequence change creates a premature translational stop signal (p.Ser381*) in the SPRED1 gene. While this is not anticipated to result in nonsense mediated decay, it is expected to disrupt the last 64 amino acid(s) of the SPRED1 protein. This variant is not present in population databases (gnomAD no frequency). This variant has not been reported in the literature in individuals affected with SPRED1-related conditions. This variant disrupts a region of the SPRED1 protein in which other variant(s) (p.Cys418Alafs*6) have been determined to be pathogenic (PMID: 19920235; Invitae). This suggests that this is a clinically significant region of the protein, and that variants that disrupt it are likely to be disease-causing. For these reasons, this variant has been classified as Pathogenic.

Literature cited by the submitters: PubMed 19920235.

NM_152594.3(SPRED1):c.1142del (p.Met380_Ser381insTer)

Gene: SPRED1 (sprouty related EVH1 domain containing 1; plus strand). Cytogenetic location: 15q14.
Variant type: Deletion.
Coding change: c.1142del on transcript NM_152594.3 (MANE Select); coding-DNA position 1142, one base deleted (C; older notation c.1142delC).
Protein change: p.Met380_Ser381insTer.
Molecular consequence: nonsense.
Genome position (GRCh38, 1-based): chr15:38,351,471, C deleted. VCF-style (leftmost placement, unchanged base first): chr15-38351470-TC-T. GRCh37 (hg19) VCF-style: chr15-38643671-TC-T.
Identifiers: ClinVar variation 2841233 (VCV002841233.3), dbSNP rs2542744046, ClinGen allele CA2739279996.